The following is an entry in ClinVar:

ClinVar aggregate classification (germline): Uncertain significance (1 of 4 stars; one submission).

Conditions:
Glycogen storage disease, type II (IOPD). Also called: Pompe Disease; CARDIOMEGALIA GLYCOGENICA DIFFUSA; GLYCOGENOSIS, GENERALIZED, CARDIAC FORM; GSD II; POMPE DISEASE, INFANTILE-ONSET; GLYCOGEN STORAGE DISEASE II, INFANTILE-ONSET. Identifiers: Orphanet 365, MedGen C0017921, MONDO:0009290, OMIM 232300.

Submission:

Genomenon, Inc
Classification: Uncertain significance for Glycogen storage disease, type II. Last evaluated: 2026-07-01. Review status: criteria provided, single submitter. Criteria: Genomenon Sequence Variant Interpretation Standards - Updated. Collection method: curation. Allele origin: germline. Affected: no.
Comment: GAA p.Val949del (c.2845_2847del) is an in-frame deletion that results in the loss of Valine at codon 949. This variant has been reported in the published literature (PMID:31342611;33560568). It is absent or not present at a significant frequency in gnomAD. In conclusion, we classify GAA p.Val949del (c.2845_2847del) as a variant of uncertain significance.

Literature cited by the submitters: PubMed 31342611; PubMed 33560568.

NM_000152.5(GAA):c.2845_2847del (p.Val949del)

Gene: GAA (alpha glucosidase; plus strand). Cytogenetic location: 17q25.3.
Variant type: Deletion.
Coding change: c.2845_2847del on transcript NM_000152.5 (MANE Select); coding-DNA positions 2845 to 2847, 3 bases deleted (GTC; older notation c.2845_2847delGTC).
Protein change: p.Val949del; deletes valine 949.
Molecular consequence: inframe deletion.
Genome position (GRCh38, 1-based): chr17:80,119,317-80,119,319, GTC deleted; deleting any 3 consecutive bases within chr17:80,119,315-80,119,319 gives the same sequence; the c. name uses the placement nearest the transcript's 3' end. VCF-style (leftmost placement, unchanged base first): chr17-80119314-CTCG-C. GRCh37 (hg19) VCF-style: chr17-78093113-CTCG-C.
Other names: c.2845_2847del, p.Val949del (NM_001079803.3, NM_001079804.3, NM_001406741.1 and 1 more transcripts); short protein forms V949del.
Identifiers: ClinVar variation 4876301 (VCV004876301.1).